The following is an entry in ClinVar:

NM_006005.3(WFS1):c.2123G>A (p.Arg708His)

Gene: WFS1 (wolframin ER transmembrane glycoprotein; plus strand). Cytogenetic location: 4p16.1.
Variant type: single nucleotide variant.
Coding change: c.2123G>A on transcript NM_006005.3 (MANE Select); coding-DNA position 2123, G replaced by A.
Protein change: p.Arg708His; replaces arginine 708 with histidine.
Molecular consequence: missense variant.
Genome position (GRCh38, 1-based): chr4:6,301,918, G>A. VCF-style: chr4-6301918-G-A. GRCh37 (hg19) VCF-style: chr4-6303645-G-A.
Other names: c.2123G>A, p.Arg708His (NM_001145853.1); short protein forms R708H.
Identifiers: ClinVar variation 2503272 (VCV002503272.6), dbSNP rs369062548, ClinGen allele CA2839606.

ClinVar aggregate classification (germline): Uncertain significance. Review status: criteria provided, multiple submitters, no conflicts (2 of 4 stars). 3 submissions from 3 submitters: Uncertain significance (3). Last evaluated 2025-05-11.

Conditions:
Wolfram syndrome 1 (WFS1). Identifiers: Orphanet 3463, MedGen C4551693, MONDO:0009101, OMIM 222300.

Allele frequency attached by ClinVar (database versions not stated): gnomAD 0.00003; TOPMed 0.00001; ExAC 0.00003; ESP Exome Variant Server 0.00008.
gnomAD v4.1: 19 of 1,612,804 alleles (0.0012%); highest among the groups gnomAD compares: East Asian, 0.0045%; no homozygotes.

Submissions (3):

Labcorp Genetics (formerly Invitae), Labcorp
Classification: Uncertain significance. Last evaluated: 2025-05-11. Review status: criteria provided, single submitter. Criteria: Invitae Variant Classification Sherloc (09022015). Collection method: clinical testing. Allele origin: germline.
Comment: This sequence change replaces arginine, which is basic and polar, with histidine, which is basic and polar, at codon 708 of the WFS1 protein (p.Arg708His). This variant is present in population databases (rs369062548, gnomAD 0.01%). This variant has not been reported in the literature in individuals affected with WFS1-related conditions. ClinVar contains an entry for this variant (Variation ID: 2503272). Invitae Evidence Modeling of protein sequence and biophysical properties (such as structural, functional, and spatial information, amino acid conservation, physicochemical variation, residue mobility, and thermodynamic stability) indicates that this missense variant is expected to disrupt WFS1 protein function with a positive predictive value of 80%. In summary, the available evidence is currently insufficient to determine the role of this variant in disease. Therefore, it has been classified as a Variant of Uncertain Significance.

Genomic Medicine Center of Excellence, King Faisal Specialist Hospital and Research Centre
Classification: Uncertain significance for Wolfram syndrome 1. Last evaluated: 2024-12-19. Review status: criteria provided, single submitter. Criteria: ACMG Guidelines, 2015. Collection method: clinical testing. Allele origin: germline.

GeneDx
Classification: Uncertain significance. Last evaluated: 2024-04-12. Review status: criteria provided, single submitter. Criteria: GeneDx Variant Classification Process June 2021. Collection method: clinical testing. Allele origin: germline.
Comment: In silico analysis supports that this missense variant has a deleterious effect on protein structure/function; Has not been previously published as pathogenic or benign to our knowledge; This variant is associated with the following publications: (PMID: 26435059)